The following is an entry in ClinVar:

ClinVar aggregate classification (germline): Benign (0 of 4 stars; one submission).

Conditions:
MOG-related disorder. Also called: MOG-related condition.

Allele frequency attached by ClinVar (database versions not stated): 1000 Genomes Project 30x 0.17614; 1000 Genomes Project 0.18051; TOPMed 0.18564; ESP Exome Variant Server 0.18969; gnomAD 0.19423; gnomAD exomes 0.22056; ExAC 0.22191.
gnomAD v4.1: 349,994 of 1,610,262 alleles (22%); highest among the groups gnomAD compares: East Asian, 27%; 40,265 homozygotes.

Submission:

PreventionGenetics, part of Exact Sciences
Classification: Benign for MOG-related condition. Last evaluated: 2019-10-28. Review status: no assertion criteria provided. Collection method: clinical testing. Allele origin: germline.
Comment: This variant is classified as benign based on ACMG/AMP sequence variant interpretation guidelines (Richards et al. 2015 PMID: 25741868, with internal and published modifications).

NM_206809.4(MOG):c.511G>C (p.Val171Leu)

Gene: MOG (myelin oligodendrocyte glycoprotein; plus strand). Cytogenetic location: 6p22.1.
Variant type: single nucleotide variant.
Coding change: c.511G>C on transcript NM_206809.4 (MANE Select); coding-DNA position 511, G replaced by C.
Protein change: p.Val171Leu; replaces valine 171 with leucine.
Molecular consequence: missense variant.
Genome position (GRCh38, 1-based): chr6:29,666,226, G>C. VCF-style: chr6-29666226-G-C. GRCh37 (hg19) VCF-style: chr6-29634003-G-C.
Other names: c.511G>C, p.Val171Leu (NM_001008228.3, NM_001008229.3, NM_001363610.2 and 4 more transcripts); c.163G>C, p.Val55Leu (NM_001170417.1, NM_001170418.2, NM_206814.6); short protein forms V171L, V55L.
Identifiers: ClinVar variation 3059372 (VCV003059372.2), dbSNP rs2857766, ClinGen allele CA3690483.